The following is an entry in ClinVar:

ClinVar aggregate classification (germline): Uncertain significance (1 of 4 stars; one submission).

Conditions:
Hereditary pancreatitis (PCTT). Also called: Hereditary chronic pancreatitis; PRSS1-Related Hereditary Pancreatitis. Identifiers: Orphanet 676, MedGen C0238339, MONDO:0008185, OMIM 167800.

Allele frequency attached by ClinVar (database versions not stated): TOPMed below 0.00001; ExAC 0.00001; gnomAD 0.00001.
gnomAD v4.1: 1 of 1,614,022 alleles (0.000062%); highest among the groups gnomAD compares: African/African-American, 0.0013%; no homozygotes.

Submission:

Ambry Genetics
Classification: Uncertain significance for Hereditary pancreatitis. Last evaluated: 2024-01-27. Review status: criteria provided, single submitter. Criteria: Ambry Variant Classification Scheme 2023. Collection method: clinical testing. Allele origin: germline.
Comment: The p.N90Y variant (also known as c.268A>T), located in coding exon 4 of the CTRC gene, results from an A to T substitution at nucleotide position 268. The asparagine at codon 90 is replaced by tyrosine, an amino acid with dissimilar properties. This amino acid position is conserved. In addition, the in silico prediction for this alteration is inconclusive. Since supporting evidence is limited at this time, the clinical significance of this alteration remains unclear.

NM_007272.3(CTRC):c.268A>T (p.Asn90Tyr)

Gene: CTRC (chymotrypsin C; plus strand). Cytogenetic location: 1p36.21.
Variant type: single nucleotide variant.
Coding change: c.268A>T on transcript NM_007272.3 (MANE Select); coding-DNA position 268, A replaced by T.
Protein change: p.Asn90Tyr; replaces asparagine 90 with tyrosine.
Molecular consequence: missense variant.
Genome position (GRCh38, 1-based): chr1:15,442,484, A>T. VCF-style: chr1-15442484-A-T. GRCh37 (hg19) VCF-style: chr1-15768980-A-T.
Other names: short protein forms N90Y.
Identifiers: ClinVar variation 1794774 (VCV001794774.2), dbSNP rs767382039, ClinGen allele CA613302.
Genomic context (GRCh38, chr1:15,442,484, plus strand): 5'-CCTGGACCCCTTCCTCTGCCCAGCAACACCCGGACCTACCGTGTGGCCGTGGGAAAGAAC[A>T]ACCTGGAGGTGGAAGACGAAGAAGGATCCCTGTTTGTGGGTGTGGACACCATCCACGTCC-3'
Protein context (NP_009203.2, residues 80-100): RTYRVAVGKN[Asn90Tyr]LEVEDEEGSL